The following is an entry in ClinVar:

ClinVar aggregate classification (germline): Likely benign. Review status: criteria provided, multiple submitters, no conflicts (2 of 4 stars). 5 submissions from 5 submitters: Likely benign (4). 1 of the submissions does not count toward it. Last evaluated 2025-10-24.

Conditions:
Microphthalmia, syndromic 1 (MCOPS1). Also called: ANOP1. Identifiers: Orphanet 568, Orphanet 85275, MedGen C0796016, MONDO:0010671, OMIM 309800.
Oculofaciocardiodental syndrome (MCOPS2). Identifiers: Orphanet 2712, MedGen C1846265, MONDO:0010261, OMIM 300166.

Allele frequency attached by ClinVar (database versions not stated): gnomAD exomes 0.00002 and 0.00013; ExAC 0.00015; TOPMed 0.00036; gnomAD 0.00040 and 0.00042; ESP Exome Variant Server 0.00057.
gnomAD v4.1: 73 of 1,208,735 alleles (0.006%); highest among the groups gnomAD compares: African/African-American, 0.085%; no homozygotes.

Submissions (5):

Labcorp Genetics (formerly Invitae), Labcorp
Classification: Likely benign for Oculofaciocardiodental syndrome. Last evaluated: 2025-10-24. Review status: criteria provided, single submitter. Criteria: Invitae Variant Classification Sherloc (09022015). Collection method: clinical testing. Allele origin: germline.

Blueprint Genetics
Classification: Likely benign. Last evaluated: 2024-08-22. Review status: criteria provided, single submitter. Criteria: ACMG Guidelines, 2015. Collection method: clinical testing. Allele origin: germline.

Fulgent Genetics
Classification: Likely benign for Oculofaciocardiodental syndrome; Microphthalmia, syndromic 1. Last evaluated: 2022-02-09. Review status: criteria provided, single submitter. Criteria: ACMG Guidelines, 2015. Collection method: clinical testing. Allele origin: unknown.

Genetic Services Laboratory, University of Chicago
Classification: Likely benign. Last evaluated: 2018-12-03. Review status: criteria provided, single submitter. Criteria: ACMG Guidelines, 2015. Collection method: clinical testing. Allele origin: germline. Affected: no.

ITMI
No classification provided. Condition: AllHighlyPenetrant. Last evaluated: 2013-09-19. Review status: no classification provided. Collection method: reference population. Allele origin: germline. Not counted in ClinVar's aggregate classification.
Comment: Please see associated publication for description of ethnicities

Literature cited by the submitters: PubMed 24728327 (cited by ITMI).

NM_001123385.2(BCOR):c.409G>A (p.Val137Ile)

Genes: BCOR (BCL6 corepressor; minus strand), LOC126863239 (MED14-independent group 3 enhancer GRCh37_chrX:39932994-39934193; plus strand). Cytogenetic location: Xp11.4.
Variant type: single nucleotide variant.
Coding change: c.409G>A on transcript NM_001123385.2 (MANE Select); coding-DNA position 409, G replaced by A.
Protein change: p.Val137Ile; replaces valine 137 with isoleucine.
Molecular consequence: missense variant.
Genome position (GRCh38, 1-based): chrX:40,074,937, C>T on the plus strand (G>A on the coding strand, the complement: BCOR is on the minus strand). VCF-style: chrX-40074937-C-T. GRCh37 (hg19) VCF-style: chrX-39934190-C-T.
Other names: c.409G>A, p.Val137Ile (NM_001123383.2, NM_001123384.2, NM_017745.6); short protein forms V137I.
Identifiers: ClinVar variation 133688 (VCV000133688.12), dbSNP rs146403660, ClinGen allele CA157338.